The following is an entry in ClinVar:

ClinVar aggregate classification (germline): Uncertain significance (1 of 4 stars; one submission).

Conditions:
Autosomal recessive limb-girdle muscular dystrophy type 2J (LGMDR10). Also called: Limb-girdle muscular dystrophy, type 2J; MUSCULAR DYSTROPHY, LIMB-GIRDLE, AUTOSOMAL RECESSIVE 10. Identifiers: Orphanet 140922, MedGen C1837342, MONDO:0012127, OMIM 608807.
Dilated cardiomyopathy 1G (CMD1G). Identifiers: Orphanet 154, MedGen C1858763, MONDO:0011400, OMIM 604145.

gnomAD v4.1: 1 of 1,613,984 alleles (0.000062%); highest among the groups gnomAD compares: Non-Finnish European, 0.000085%; no homozygotes.

Submission:

Labcorp Genetics (formerly Invitae), Labcorp
Classification: Uncertain significance for Dilated cardiomyopathy 1G; Autosomal recessive limb-girdle muscular dystrophy type 2J. Last evaluated: 2022-06-04. Review status: criteria provided, single submitter. Criteria: Invitae Variant Classification Sherloc (09022015). Collection method: clinical testing. Allele origin: germline.
Comment: This variant is located in the M band of TTN (PMID: 25589632). Variants in this region may be relevant for neuromuscular disorders, but have not been definitively shown to cause cardiomyopathy (PMID: 23975875). In summary, the available evidence is currently insufficient to determine the role of this variant in disease. Therefore, it has been classified as a Variant of Uncertain Significance. Experimental studies and prediction algorithms are not available or were not evaluated, and the functional significance of this variant is currently unknown. ClinVar contains an entry for this variant (Variation ID: 661657). This variant has not been reported in the literature in individuals affected with TTN-related conditions. This variant is not present in population databases (gnomAD no frequency). This sequence change replaces aspartic acid, which is acidic and polar, with asparagine, which is neutral and polar, at codon 35353 of the TTN protein (p.Asp35353Asn).

Literature cited by the submitters: PubMed 25589632; PubMed 23975875.

NM_001267550.2(TTN):c.106057G>A (p.Asp35353Asn)

Genes: TTN (titin; minus strand), TTN-AS1 (TTN antisense RNA 1; plus strand), LOC129935182 (ATAC-STARR-seq lymphoblastoid active region 16807; plus strand). Cytogenetic location: 2q31.2.
Variant type: single nucleotide variant.
Coding change: c.106057G>A on transcript NM_001267550.2 (MANE Select); coding-DNA position 106057, G replaced by A.
Protein change: p.Asp35353Asn; replaces aspartic acid 35353 with asparagine.
Molecular consequence: missense variant.
Genome position (GRCh38, 1-based): chr2:178,530,558, C>T on the plus strand (G>A on the coding strand, the complement: TTN is on the minus strand). VCF-style: chr2-178530558-C-T. GRCh37 (hg19) VCF-style: chr2-179395285-C-T.
Other names: c.101134G>A, p.Asp33712Asn (NM_001256850.1); c.78862G>A, p.Asp26288Asn (NM_003319.4); c.98353G>A, p.Asp32785Asn (NM_133378.4); c.79237G>A, p.Asp26413Asn (NM_133432.3); c.79438G>A, p.Asp26480Asn (NM_133437.4); short protein forms D35353N, D26288N, D26413N, D32785N, D33712N, D26480N.
Identifiers: ClinVar variation 661657 (VCV000661657.9), dbSNP rs780037060, ClinGen allele CA349407130.